The following is an entry in ClinVar:

NM_002161.6(IARS1):c.3284-3T>C

Gene: IARS1 (isoleucyl-tRNA synthetase 1; minus strand). Cytogenetic location: 9q22.31.
Variant type: single nucleotide variant.
Coding change: c.3284-3T>C on transcript NM_002161.6 (MANE Select); 3 bases into the intron before coding-DNA position 3284, T replaced by C.
Molecular consequence: intron variant.
Genome position (GRCh38, 1-based): chr9:92,229,129, A>G on the plus strand (T>C on the coding strand, the complement: IARS1 is on the minus strand). VCF-style: chr9-92229129-A-G. GRCh37 (hg19) VCF-style: chr9-94991411-A-G.
Other names: c.3284-3T>C (NM_001378573.1, NM_001378577.1, NM_001378585.1 and 9 more transcripts); c.3161-3T>C (NM_001378583.1); c.3200-3T>C (NM_001374301.1); c.3188-3T>C (NM_001378582.1); c.3209-3T>C (NM_001378584.1, NM_001374299.1, NM_001374300.1); c.3305-3T>C (NM_001378571.1); c.3347-3T>C (NM_001378569.1).
Identifiers: ClinVar variation 1944525 (VCV001944525.5), dbSNP rs753714072, ClinGen allele CA5121905.

ClinVar aggregate classification (germline): Uncertain significance (1 of 4 stars; one submission).

Allele frequency attached by ClinVar (database versions not stated): TOPMed below 0.00001; ExAC 0.00001.
gnomAD v4.1: 5 of 1,610,138 alleles (0.00031%); highest among the groups gnomAD compares: Admixed American, 0.0084%; no homozygotes.

Submission:

Labcorp Genetics (formerly Invitae), Labcorp
Classification: Uncertain significance. Last evaluated: 2022-08-01. Review status: criteria provided, single submitter. Criteria: Invitae Variant Classification Sherloc (09022015). Collection method: clinical testing. Allele origin: germline.
Comment: In summary, the available evidence is currently insufficient to determine the role of this variant in disease. Therefore, it has been classified as a Variant of Uncertain Significance. Variants that disrupt the consensus splice site are a relatively common cause of aberrant splicing (PMID: 17576681, 9536098). Algorithms developed to predict the effect of sequence changes on RNA splicing suggest that this variant is not likely to affect RNA splicing. This variant has not been reported in the literature in individuals affected with IARS-related conditions. This variant is present in population databases (rs753714072, gnomAD 0.01%). This sequence change falls in intron 30 of the IARS gene. It does not directly change the encoded amino acid sequence of the IARS protein. It affects a nucleotide within the consensus splice site.

Literature cited by the submitters: PubMed 17576681; PubMed 9536098.